The following is an entry in ClinVar:

NM_014795.4(ZEB2):c.1240C>T (p.Pro414Ser)

Gene: ZEB2 (zinc finger E-box binding homeobox 2; minus strand). Cytogenetic location: 2q22.3.
Variant type: single nucleotide variant.
Coding change: c.1240C>T on transcript NM_014795.4 (MANE Select); coding-DNA position 1240, C replaced by T.
Protein change: p.Pro414Ser; replaces proline 414 with serine.
Molecular consequence: missense variant.
Genome position (GRCh38, 1-based): chr2:144,399,947, G>A on the plus strand (C>T on the coding strand, the complement: ZEB2 is on the minus strand). VCF-style: chr2-144399947-G-A. GRCh37 (hg19) VCF-style: chr2-145157514-G-A.
Other names: c.1168C>T, p.Pro390Ser (NM_001171653.2); short protein forms P414S, P390S.
Identifiers: ClinVar variation 4762170 (VCV004762170.1).

ClinVar aggregate classification (germline): Uncertain significance (1 of 4 stars; one submission).

Conditions:
Mowat-Wilson syndrome (MOWS). Also called: Classic Mowat-Wilson Syndrome. Identifiers: Orphanet 2152, MedGen C1856113, MONDO:0009341, OMIM 235730.

gnomAD v4.1: 2 of 1,614,068 alleles (0.00012%); highest among the groups gnomAD compares: East Asian, 0.0045%; no homozygotes.

Submission:

Labcorp Genetics (formerly Invitae), Labcorp
Classification: Uncertain significance for Mowat-Wilson syndrome. Last evaluated: 2025-05-28. Review status: criteria provided, single submitter. Criteria: Invitae Variant Classification Sherloc (09022015). Collection method: clinical testing. Allele origin: germline.
Comment: This sequence change replaces proline, which is neutral and non-polar, with serine, which is neutral and polar, at codon 414 of the ZEB2 protein (p.Pro414Ser). This variant is present in population databases (no rsID available, gnomAD 0.006%). This variant has not been reported in the literature in individuals affected with ZEB2-related conditions. Invitae Evidence Modeling of protein sequence and biophysical properties (such as structural, functional, and spatial information, amino acid conservation, physicochemical variation, residue mobility, and thermodynamic stability) indicates that this missense variant is not expected to disrupt ZEB2 protein function with a negative predictive value of 80%. In summary, the available evidence is currently insufficient to determine the role of this variant in disease. Therefore, it has been classified as a Variant of Uncertain Significance.